The following is an entry in ClinVar:

ClinVar aggregate classification (germline): Benign/Likely benign. Review status: criteria provided, multiple submitters, no conflicts (2 of 4 stars). 13 submissions from 12 submitters: Benign (2); Likely benign (8). 3 of the submissions do not count toward it. Last evaluated 2026-06-01.

Conditions:
Hereditary cancer-predisposing syndrome. Also called: Tumor predisposition; Neoplastic Syndromes, Hereditary; Hereditary Cancer Syndrome; Hereditary neoplastic syndrome. Identifiers: Orphanet 140162, MedGen C0027672, MeSH D009386, MONDO:0015356.
Holoprosencephaly 7 (HPE7). Identifiers: Orphanet 2162, MedGen C1835820, MONDO:0012562, OMIM 610828.
PTCH1-related disorder. Also called: PTCH1-related disorders; PTCH1-related condition.
Gorlin syndrome. Also called: Basal cell nevus syndrome; Nevoid Basal Cell Carcinoma Syndrome. Identifiers: Orphanet 377, MedGen C0004779, MONDO:0007187.

Allele frequency attached by ClinVar (database versions not stated): ExAC 0.00036; TOPMed 0.00037; gnomAD exomes 0.00038 and 0.00066; gnomAD 0.00054; ESP Exome Variant Server 0.00056.
gnomAD v4.1: 1,018 of 1,612,992 alleles (0.063%); highest among the groups gnomAD compares: Non-Finnish European, 0.081%; 2 homozygotes.

Submissions (13):

CeGaT Center for Human Genetics Tuebingen
Classification: Likely benign. Last evaluated: 2026-06-01. Review status: criteria provided, single submitter. Criteria: CeGaT Center For Human Genetics Tuebingen Variant Classification Criteria Version 2. Collection method: clinical testing. Allele origin: germline. Affected: yes. Observed: 12 variant alleles.
Comment: PTCH1: BP4, BP7

Labcorp Genetics (formerly Invitae), Labcorp
Classification: Benign for Gorlin syndrome. Last evaluated: 2026-02-03. Review status: criteria provided, single submitter. Criteria: Invitae Variant Classification Sherloc (09022015). Collection method: clinical testing. Allele origin: germline.

Center for Genomic Medicine, Rigshospitalet, Copenhagen University Hospital
Classification: Likely benign. Last evaluated: 2025-12-29. Review status: criteria provided, single submitter. Criteria: ACMG Guidelines, 2015. Collection method: clinical testing. Allele origin: germline.

Quest Diagnostics Nichols Institute San Juan Capistrano
Classification: Benign. Last evaluated: 2025-11-07. Review status: criteria provided, single submitter. Criteria: Quest Diagnostics criteria. Collection method: clinical testing. Allele origin: unknown.

Blueprint Genetics
Classification: Likely benign. Last evaluated: 2024-08-12. Review status: criteria provided, single submitter. Criteria: ACMG Guidelines, 2015. Collection method: clinical testing. Allele origin: germline.

Sema4
Classification: Likely benign for Hereditary cancer-predisposing syndrome. Last evaluated: 2021-07-01. Review status: criteria provided, single submitter. Criteria: Sema4 Curation Guidelines. Collection method: curation. Allele origin: germline.

GeneDx
Classification: Likely benign. Last evaluated: 2018-10-31. Review status: criteria provided, single submitter. Criteria: GeneDx Variant Classification Process June 2021. Collection method: clinical testing. Allele origin: germline. Affected: yes.

Illumina Laboratory Services, Illumina
Classification: Likely benign for Basal cell nevus syndrome 1. Last evaluated: 2018-01-12. Review status: criteria provided, single submitter. Criteria: ICSL Variant Classification Criteria 13 December 2019. Collection method: clinical testing. Allele origin: germline.
Comment: This variant was observed in the ICSL laboratory as part of a predisposition screen in an ostensibly healthy population. It had not been previously curated by ICSL or reported in the Human Gene Mutation Database (HGMD: prior to June 1st, 2018), and was therefore a candidate for classification through an automated scoring system. Utilizing variant allele frequency, disease prevalence and penetrance estimates, and inheritance mode, an automated score was calculated to assess if this variant is too frequent to cause the disease. Based on the score and internal cut-off values, a variant classified as likely benign is not then subjected to further curation. The score for this variant resulted in a classification of likely benign for this disease.

Illumina Laboratory Services, Illumina
Classification: Likely benign for Holoprosencephaly 7. Last evaluated: 2018-01-12. Review status: criteria provided, single submitter. Criteria: ICSL Variant Classification Criteria 13 December 2019. Collection method: clinical testing. Allele origin: germline.
Comment: the same text as in the submission from Illumina Laboratory Services, Illumina above.

Ambry Genetics
Classification: Likely benign for Hereditary cancer-predisposing syndrome. Last evaluated: 2015-02-17. Review status: criteria provided, single submitter. Criteria: Ambry Variant Classification Scheme 2023. Collection method: clinical testing. Allele origin: germline.

PreventionGenetics, part of Exact Sciences
Classification: Likely benign for PTCH1-related condition. Last evaluated: 2023-01-23. Review status: no assertion criteria provided. Collection method: clinical testing. Allele origin: germline. Not counted in ClinVar's aggregate classification.
Comment: This variant is classified as likely benign based on ACMG/AMP sequence variant interpretation guidelines (Richards et al. 2015 PMID: 25741868, with internal and published modifications).

Clinical Genetics DNA and cytogenetics Diagnostics Lab, Erasmus MC, Erasmus Medical Center
Classification: Likely benign. Review status: no assertion criteria provided. Collection method: clinical testing. Allele origin: germline. Affected: yes. Study: VKGL Data-share Consensus. Not counted in ClinVar's aggregate classification.

Diagnostic Laboratory, Department of Genetics, University Medical Center Groningen
Classification: Likely benign. Review status: no assertion criteria provided. Collection method: clinical testing. Allele origin: germline. Affected: yes. Study: VKGL Data-share Consensus. Not counted in ClinVar's aggregate classification.

NM_000264.5(PTCH1):c.3954G>A (p.Pro1318=)

Gene: PTCH1 (patched 1; minus strand). Cytogenetic location: 9q22.32.
Variant type: single nucleotide variant.
Coding change: c.3954G>A on transcript NM_000264.5 (MANE Select); coding-DNA position 3954, G replaced by A.
Protein change: p.Pro1318=; no amino-acid change (proline 1318 retained).
Molecular consequence: synonymous variant. On other transcripts: non-coding transcript variant (1).
Genome position (GRCh38, 1-based): chr9:95,447,302, C>T on the plus strand (G>A on the coding strand, the complement: PTCH1 is on the minus strand). VCF-style: chr9-95447302-C-T. GRCh37 (hg19) VCF-style: chr9-98209584-C-T.
Other names: c.3756G>A, p.Pro1252= (NM_001083602.3); c.3951G>A, p.Pro1317= (NM_001083603.3); c.3501G>A, p.Pro1167= (NM_001083604.3, NM_001083605.3, NM_001083606.3 and 1 more transcripts); c.3798G>A, p.Pro1266= (NM_001354918.2); c.3954G>A (NM_000264.4).
Identifiers: ClinVar variation 215703 (VCV000215703.55), dbSNP rs45529536, ClinGen allele CA337434.